The following is an entry in ClinVar:

NM_001429.4(EP300):c.208A>G (p.Met70Val)

Gene: EP300 (EP300 lysine acetyltransferase; plus strand). Cytogenetic location: 22q13.2.
Variant type: single nucleotide variant.
Coding change: c.208A>G on transcript NM_001429.4 (MANE Select); coding-DNA position 208, A replaced by G.
Protein change: p.Met70Val; replaces methionine 70 with valine.
Molecular consequence: missense variant.
Genome position (GRCh38, 1-based): chr22:41,117,300, A>G. VCF-style: chr22-41117300-A-G. GRCh37 (hg19) VCF-style: chr22-41513304-A-G.
Other names: c.208A>G (NM_001429.3); c.208A>G, p.Met70Val (NM_001362843.2); short protein forms M70V.
Identifiers: ClinVar variation 2741341 (VCV002741341.6), dbSNP rs1569090318, ClinGen allele CA411679903.

ClinVar aggregate classification (germline): Conflicting classifications of pathogenicity. Review status: criteria provided, conflicting classifications (1 of 4 stars). 3 submissions from 3 submitters: Uncertain significance (2); Benign (1). Last evaluated 2026-08-07.

Conditions:
Inborn genetic diseases. Identifiers: MedGen C0950123, MeSH D030342.
EP300-related disorder. Also called: EP300-related condition; EP300-related disorders.
Rubinstein-Taybi syndrome due to EP300 haploinsufficiency. Also called: EP300-Related Rubinstein-Taybi Syndrome; RUBINSTEIN-TAYBI SYNDROME 2. Identifiers: Orphanet 353284, Orphanet 783, MedGen C3150941, MONDO:0013364, OMIM 613684.

Allele frequency attached by ClinVar (database versions not stated): TOPMed 0.00001; gnomAD exomes below 0.00001.
gnomAD v4.1: 1 of 1,614,216 alleles (0.000062%); highest among the groups gnomAD compares: East Asian, 0.0022%; no homozygotes.

Submissions (3):

PreventionGenetics, part of Exact Sciences
Classification: Uncertain significance for EP300-related condition. Last evaluated: 2026-08-07. Review status: criteria provided, single submitter. Criteria: ACMG Guidelines, 2015. Collection method: clinical testing. Allele origin: germline.
Comment: The EP300 c.208A>G variant is predicted to result in the amino acid substitution p.Met70Val. To our knowledge, this variant has not been reported in the literature. This variant is reported in 0.0054% of alleles in individuals of East Asian descent in gnomAD. At this time, the clinical significance of this variant is uncertain due to the absence of conclusive functional and genetic evidence.

Ambry Genetics
Classification: Uncertain significance for Inborn genetic diseases. Last evaluated: 2025-02-07. Review status: criteria provided, single submitter. Criteria: Ambry Variant Classification Scheme 2023. Collection method: clinical testing. Allele origin: germline.

Labcorp Genetics (formerly Invitae), Labcorp
Classification: Benign for Rubinstein-Taybi syndrome due to EP300 haploinsufficiency. Last evaluated: 2024-03-30. Review status: criteria provided, single submitter. Criteria: Invitae Variant Classification Sherloc (09022015). Collection method: clinical testing. Allele origin: germline.